The following is an entry in ClinVar:

ClinVar aggregate classification (germline): Benign/Likely benign. Review status: criteria provided, multiple submitters, no conflicts (2 of 4 stars). 9 submissions from 9 submitters: Benign (7); Likely benign (1). 1 of the submissions does not count toward it. Last evaluated 2026-02-04.

Conditions:
Fanconi anemia (FA). Also called: Fanconi's anemia. Identifiers: Orphanet 84, MedGen C0015625, MeSH D005199, MONDO:0019391.
Fanconi anemia complementation group P. Also called: SLX4-Related Fanconi Anemia. Identifiers: Orphanet 84, MedGen C3469542, MONDO:0013499, OMIM 613951.

Allele frequency attached by ClinVar (database versions not stated): 1000 Genomes Project 30x 0.07839; gnomAD 0.08416 and 0.08654; TOPMed 0.08625; ESP Exome Variant Server 0.08704; gnomAD exomes 0.06645 and 0.06846; ExAC 0.07091; 1000 Genomes Project 0.07568.

Submissions (9):

Labcorp Genetics (formerly Invitae), Labcorp
Classification: Benign for Fanconi anemia. Last evaluated: 2026-02-04. Review status: criteria provided, single submitter. Criteria: Invitae Variant Classification Sherloc (09022015). Collection method: clinical testing. Allele origin: germline.

ARUP Laboratories, Molecular Genetics and Genomics, ARUP Laboratories
Classification: Benign for Fanconi anemia complementation group P. Last evaluated: 2025-07-02. Review status: criteria provided, single submitter. Criteria: ARUP Molecular Germline Variant Investigation Process 2024. Collection method: clinical testing. Allele origin: germline.

Blueprint Genetics
Classification: Likely benign. Last evaluated: 2024-11-27. Review status: criteria provided, single submitter. Criteria: ACMG Guidelines, 2015. Collection method: clinical testing. Allele origin: germline.

KCCC/NGS Laboratory, Kuwait Cancer Control Center
Classification: Benign for Fanconi anemia complementation group P. Last evaluated: 2023-07-07. Review status: criteria provided, single submitter. Criteria: ACMG Guidelines, 2015. Collection method: clinical testing. Allele origin: germline. Affected: yes.

GeneDx
Classification: Benign. Last evaluated: 2019-02-24. Review status: criteria provided, single submitter. Criteria: GeneDx Variant Classification Process June 2021. Collection method: clinical testing. Allele origin: germline. Affected: yes.

Illumina Laboratory Services, Illumina
Classification: Benign for Fanconi anemia complementation group P. Last evaluated: 2018-01-13. Review status: criteria provided, single submitter. Criteria: ICSL Variant Classification Criteria 13 December 2019. Collection method: clinical testing. Allele origin: germline.
Comment: This variant was observed in the ICSL laboratory as part of a predisposition screen in an ostensibly healthy population. It had not been previously curated by ICSL or reported in the Human Gene Mutation Database (HGMD: prior to June 1st, 2018), and was therefore a candidate for classification through an automated scoring system. Utilizing variant allele frequency, disease prevalence and penetrance estimates, and inheritance mode, an automated score was calculated to assess if this variant is too frequent to cause the disease. Based on the score and internal cut-off values, a variant classified as benign is not then subjected to further curation. The score for this variant resulted in a classification of benign for this disease.

Breakthrough Genomics
Classification: Benign. Review status: criteria provided, single submitter. Criteria: ACMG Guidelines, 2015. Collection method: not provided. Allele origin: germline. Inheritance: Autosomal recessive inheritance. Affected: yes.

PreventionGenetics, part of Exact Sciences
Classification: Benign. Review status: criteria provided, single submitter. Criteria: ACMG Guidelines, 2015. Collection method: clinical testing. Allele origin: germline.

Leiden Open Variation Database
Classification: Likely benign. Last evaluated: 2012-08-31. Review status: no assertion criteria provided. Collection method: curation. Allele origin: germline. Affected: yes. Not counted in ClinVar's aggregate classification.
Comment: Curator: Arleen D. Auerbach. Submitter to LOVD: Janine Bakker.

Literature cited by the submitters: PubMed 22911665 (cited by Leiden Open Variation Database).

NM_032444.4(SLX4):c.1366+11T>C

Gene: SLX4 (SLX4 structure-specific endonuclease subunit; minus strand). Cytogenetic location: 16p13.3.
Variant type: single nucleotide variant.
Coding change: c.1366+11T>C on transcript NM_032444.4 (MANE Select); 11 bases into the intron after coding-DNA position 1366, T replaced by C.
Molecular consequence: intron variant.
Genome position (GRCh38, 1-based): chr16:3,597,786, A>G on the plus strand (T>C on the coding strand, the complement: SLX4 is on the minus strand). VCF-style: chr16-3597786-A-G. GRCh37 (hg19) VCF-style: chr16-3647787-A-G.
Other names: c.1366+11T>C (LRG_503t1, NM_032444.3).
Identifiers: ClinVar variation 262034 (VCV000262034.23), dbSNP rs76350200, ClinGen allele CA7866550.